The following is an entry in ClinVar:

NM_000157.4(GBA1):c.454+47G>A

Genes: GBA1 (glucosylceramidase beta 1; minus strand), LOC106627981 (GBA recombination region; plus strand). Cytogenetic location: 1q22.
Variant type: single nucleotide variant.
Coding change: c.454+47G>A on transcript NM_000157.4 (MANE Select); 47 bases into the intron after coding-DNA position 454, G replaced by A.
Molecular consequence: intron variant.
Genome position (GRCh38, 1-based): chr1:155,239,569, C>T on the plus strand (G>A on the coding strand, the complement: GBA1 is on the minus strand). VCF-style: chr1-155239569-C-T. GRCh37 (hg19) VCF-style: chr1-155209360-C-T.
Other names: c.193+47G>A (NM_001171811.2); c.454+47G>A (NM_001005742.3, NM_001005741.3); c.307+317G>A (NM_001171812.2).
Identifiers: ClinVar variation 256873 (VCV000256873.6), dbSNP rs2075569, ClinGen allele CA1141745.

ClinVar aggregate classification (germline): Benign. Review status: criteria provided, multiple submitters, no conflicts (2 of 4 stars). 4 submissions from 3 submitters: Benign (4). Last evaluated 2024-07-31.

Conditions:
Gaucher disease type I (GD1). Also called: GD 1; Gaucher's disease, type 1; Type 1 Gaucher Disease; GAUCHER DISEASE, NONCEREBRAL JUVENILE; GBA DEFICIENCY; GD I. Identifiers: Orphanet 355, Orphanet 77259, MedGen C1961835, MONDO:0009265, OMIM 230800.
Gaucher disease perinatal lethal. Also called: Gaucher disease collodion type; Gaucher Disease, Perinatal-Lethal Form. Identifiers: Orphanet 85212, MedGen C1842704, MONDO:0011945, OMIM 608013.

Allele frequency attached by ClinVar (database versions not stated): gnomAD exomes 0.31985 and 0.36748; ExAC 0.36632; ESP Exome Variant Server 0.40212; gnomAD 0.41024 and 0.41072; TOPMed 0.42498; 1000 Genomes Project 30x 0.48595; 1000 Genomes Project 0.49002.
gnomAD v4.1: 529,301 of 1,608,550 alleles (33%); highest among the groups gnomAD compares: East Asian, 72%; 95,559 homozygotes.

Submissions (4):

Unidad de Genómica Garrahan, Hospital de Pediatría Garrahan
Classification: Benign. Last evaluated: 2024-07-31. Review status: criteria provided, single submitter. Criteria: ACMG Guidelines, 2015. Collection method: clinical testing. Allele origin: germline. Affected: no. Observed: 50 variant alleles.
Comment: This variant is classified as Benign based on local population frequency. This variant was detected in 54% of patients studied in a panel designed for Epileptic and Developmental Encephalopathy, Progressive Myoclonus Epilepsy and Abnormal Movements and Neurodegeneration with brain iron accumulation. Number of patients: 50. Only high quality variants are reported.

Genome-Nilou Lab
Classification: Benign for Gaucher disease perinatal lethal. Last evaluated: 2021-07-01. Review status: criteria provided, single submitter. Criteria: ACMG Guidelines, 2015. Collection method: clinical testing. Allele origin: germline. Affected: no.

Genome-Nilou Lab
Classification: Benign for Gaucher disease type I. Last evaluated: 2021-07-01. Review status: criteria provided, single submitter. Criteria: ACMG Guidelines, 2015. Collection method: clinical testing. Allele origin: germline. Affected: no.

PreventionGenetics, part of Exact Sciences
Classification: Benign. Review status: criteria provided, single submitter. Criteria: ACMG Guidelines, 2015. Collection method: clinical testing. Allele origin: germline.